The following is an entry in ClinVar:

NC_000016.9:g.(89846366_89849266)_(89849511_89851261)del

Gene: FANCA (FA complementation group A; minus strand). Cytogenetic location: 16q24.3.
Variant type: Deletion.
Identifiers: ClinVar variation 1723355 (VCV001723355.1).

ClinVar aggregate classification (germline): Pathogenic (1 of 4 stars; one submission).

Conditions:
Fanconi anemia (FA). Also called: Fanconi's anemia. Identifiers: Orphanet 84, MedGen C0015625, MeSH D005199, MONDO:0019391.

Submission:

Women's Health and Genetics/Laboratory Corporation of America, LabCorp
Classification: Pathogenic for Fanconi anemia. Last evaluated: 2022-10-20. Review status: criteria provided, single submitter. Criteria: LabCorp Variant Classification Summary - May 2015. Collection method: clinical testing. Allele origin: germline.
Comment: Variant summary: The variant identified by MLPA or other technology involves the deletion of exons 16-17 in the FANCA gene. A presumed nomenclature of c.(1470+1_1471-1)_(1626+1_1627-1)del has been designated for the purposes of this classification. Although exact breakpoints of this deletion are not known, it is expected to result in a large in-frame deletion in the FANCA gene. The variant was absent in 21694 control chromosomes (gnomAD, structural variant dataset). c.(1470+1_1471-1)_(1626+1_1627-1)del has been reported in the literature as a compound heterozygous genotype in multiple individuals affected with Fanconi Anemia (e.g. Morgan_1999, Castella_2011, Chandrasekharappa_2013, Kimble_2018, Mori_2019). These data indicate that the variant is very likely to be associated with disease. To our knowledge, no experimental evidence demonstrating an impact on protein function has been reported. One clinical diagnostic laboratory has submitted a clinical-significance assessment for this variant to ClinVar after 2014 and classified the variant as pathogenic. Based on the evidence outlined above, the variant was classified as pathogenic.

Literature cited by the submitters: PubMed 23613520; PubMed 30792206; PubMed 29098742; PubMed 21273304; PubMed 25168418; PubMed 10521298.